The following is an entry in ClinVar:

NM_001292034.3(TAB2):c.1764+1G>A

Gene: TAB2 (TGF-beta activated kinase 1 (MAP3K7) binding protein 2; plus strand). Cytogenetic location: 6q25.1.
Variant type: single nucleotide variant.
Coding change: c.1764+1G>A on transcript NM_001292034.3 (MANE Select); the canonical splice donor site of the intron after coding-DNA position 1764, G replaced by A.
Molecular consequence: splice donor variant.
Genome position (GRCh38, 1-based): chr6:149,397,765, G>A. VCF-style: chr6-149397765-G-A. GRCh37 (hg19) VCF-style: chr6-149718901-G-A.
Other names: c.1668+1G>A (NM_001292035.3); c.1764+1G>A (NM_001369506.1, NM_015093.6).
Identifiers: ClinVar variation 1030404 (VCV001030404.9), dbSNP rs1782223593, ClinGen allele CA366004251.

ClinVar aggregate classification (germline): Pathogenic/Likely pathogenic. Review status: criteria provided, multiple submitters, no conflicts (2 of 4 stars). 5 submissions from 5 submitters: Pathogenic (3); Likely pathogenic (2). Last evaluated 2024-12-20.

Conditions:
Congenital heart defects, multiple types, 2 (CHTD2). Also called: Congenital heart defects, nonsyndromic, 2. Identifiers: Orphanet 664401, MedGen C3554279, MONDO:0014000, OMIM 614980.
Polyvalvular heart disease syndrome. Identifiers: Orphanet 228410, MedGen C4509918, MONDO:0016460.

Submissions (5):

Department of Genetics, Rouen University Hospital, Normandy Center for Genomic and Personalized Medicine
Classification: Pathogenic for Congenital heart defects, multiple types, 2. Last evaluated: 2024-12-20. Review status: criteria provided, single submitter. Criteria: ACMG Guidelines, 2015. Collection method: clinical testing. Allele origin: unknown. Affected: yes.

GeneDx
Classification: Pathogenic. Last evaluated: 2022-05-26. Review status: criteria provided, single submitter. Criteria: GeneDx Variant Classification Process June 2021. Collection method: clinical testing. Allele origin: germline. Affected: yes.
Comment: Canonical splice site variant predicted to result in a null allele in a gene for which loss of function is a known mechanism of disease; Not observed in large population cohorts (gnomAD); This variant is associated with the following publications: (PMID: 32368696)

Institute of Medical Genetics and Applied Genomics, University Hospital Tübingen
Classification: Likely pathogenic for Congenital heart defects, multiple types, 2; Polyvalvular heart disease syndrome. Last evaluated: 2022-03-29. Review status: criteria provided, single submitter. Criteria: ACMG Guidelines, 2015. Collection method: clinical testing. Allele origin: germline. Inheritance: Autosomal dominant inheritance. Affected: yes.
Comment: Sequencing of RNA from peripheral blood confirmed skipping of the adjacent exon (out-of-frame), thus indicating loss-of-function as the most likely consequence of the variant.

Rady Children's Institute for Genomic Medicine, Rady Children's Hospital San Diego
Classification: Likely pathogenic for CONGENITAL HEART DEFECTS, MULTIPLE TYPES, 2. Last evaluated: 2020-09-24. Review status: criteria provided, single submitter. Criteria: ACMG Guidelines, 2015. Collection method: clinical testing. Allele origin: germline. Affected: yes.
Comment: This variant affects the canonical splice donor site of intron 5 of 7, and is therefore predicted to interfere with splicing and result in loss of normal protein function through either protein truncation or nonsense-mediated mRNA decay (NMD). This variant has not been previously reported or functionally characterized in the literature to our knowledge. It is absent from the gnomAD population database and thus is presumed to be rare. Multiple splice prediction tools suggest this variant is likely to interfere with normal splicing. Based on the available evidence, the c.1764+1G>A variant is classified as Likely Pathogenic.

Baylor Genetics
Classification: Pathogenic for Congenital heart defects, multiple types, 2. Last evaluated: 2019-07-31. Review status: criteria provided, single submitter. Criteria: ACMG Guidelines, 2015. Collection method: clinical testing. Allele origin: de novo. Affected: yes.
Comment: This variant was determined to be pathogenic according to ACMG Guidelines, 2015 [PMID:25741868].